The following is an entry in ClinVar:

ClinVar aggregate classification (germline): Conflicting classifications of pathogenicity. Review status: criteria provided, conflicting classifications (1 of 4 stars). 3 submissions from 3 submitters: Uncertain significance (1); Likely benign (2). Last evaluated 2026-01-26.

Conditions:
Wolfram syndrome 1 (WFS1). Identifiers: Orphanet 3463, MedGen C4551693, MONDO:0009101, OMIM 222300.

Allele frequency attached by ClinVar (database versions not stated): gnomAD 0.00001 and 0.00003; ExAC 0.00003; TOPMed 0.00003; 1000 Genomes Project 30x 0.00016; 1000 Genomes Project 0.00020.
gnomAD v4.1: 46 of 1,613,162 alleles (0.0029%); highest among the groups gnomAD compares: East Asian, 0.0067%; no homozygotes.

Submissions (3):

Labcorp Genetics (formerly Invitae), Labcorp
Classification: Uncertain significance. Last evaluated: 2026-01-26. Review status: criteria provided, single submitter. Criteria: Invitae Variant Classification Sherloc (09022015). Collection method: clinical testing. Allele origin: germline.
Comment: This sequence change replaces valine, which is neutral and non-polar, with methionine, which is neutral and non-polar, at codon 875 of the WFS1 protein (p.Val875Met). This variant is present in population databases (rs547459104, gnomAD 0.02%). This variant has not been reported in the literature in individuals affected with WFS1-related conditions. ClinVar contains an entry for this variant (Variation ID: 259899). Invitae Evidence Modeling of protein sequence and biophysical properties (such as structural, functional, and spatial information, amino acid conservation, physicochemical variation, residue mobility, and thermodynamic stability) indicates that this missense variant is not expected to disrupt WFS1 protein function with a negative predictive value of 95%. In summary, the available evidence is currently insufficient to determine the role of this variant in disease. Therefore, it has been classified as a Variant of Uncertain Significance.

Clinical Genomics, Uppaluri K&H Personalized Medicine Clinic
Classification: Likely benign for Wolfram syndrome 1. Review status: criteria provided, single submitter. Criteria: K & H Uppaluri Personalized Medicine Clinic Variant Classification & Assertion Criteria_Updated V.1. Collection method: research. Allele origin: unknown. Inheritance: Autosomal recessive inheritance.
Comment: Potent mutations in WFS1 gene are associated with Wolfram's syndrome, an autosomal recessive condition, which cause diabetes mellitus, diabetes insipidus, deafness and optic atrophy. However no sufficient evidence is found to ascertain the role of this particular variant rs547459104 in Wolfram's syndrome yet.

PreventionGenetics, part of Exact Sciences
Classification: Likely benign. Review status: criteria provided, single submitter. Criteria: ACMG Guidelines, 2015. Collection method: clinical testing. Allele origin: germline.

Literature cited by the submitters: PubMed 20738327 (cited by Clinical Genomics, Uppaluri K&H Personalized Medicine Clinic); PubMed 33879153 (cited by Clinical Genomics, Uppaluri K&H Personalized Medicine Clinic); PubMed 12955714 (cited by Clinical Genomics, Uppaluri K&H Personalized Medicine Clinic); PubMed 18060660 (cited by Clinical Genomics, Uppaluri K&H Personalized Medicine Clinic); PubMed 20301750 (cited by Clinical Genomics, Uppaluri K&H Personalized Medicine Clinic); PubMed 17603484 (cited by Clinical Genomics, Uppaluri K&H Personalized Medicine Clinic).

NM_006005.3(WFS1):c.2623G>A (p.Val875Met)

Gene: WFS1 (wolframin ER transmembrane glycoprotein; plus strand). Cytogenetic location: 4p16.1.
Variant type: single nucleotide variant.
Coding change: c.2623G>A on transcript NM_006005.3 (MANE Select); coding-DNA position 2623, G replaced by A.
Protein change: p.Val875Met; replaces valine 875 with methionine.
Molecular consequence: missense variant.
Genome position (GRCh38, 1-based): chr4:6,302,418, G>A. VCF-style: chr4-6302418-G-A. GRCh37 (hg19) VCF-style: chr4-6304145-G-A.
Other names: c.2623G>A, p.Val875Met (NM_001145853.1); short protein forms V875M.
Identifiers: ClinVar variation 259899 (VCV000259899.5), dbSNP rs547459104, ClinGen allele CA2839810.
Genomic context (GRCh38, chr4:6,302,418, plus strand): 5'-TCACCCACCAGGCGGCACGTGAAGATCGAGCACGACTGGCGCAGCACCGTGCATGGCGCC[G>A]TGAAGTTCGCCTTCGACTTCTTTTTCTTCCCATTCCTGTCGGCGGCCTGAGGATGGTCCG-3'
Protein context (NP_005996.2, residues 865-885): HDWRSTVHGA[Val875Met]KFAFDFFFFP